The following is an entry in ClinVar:

ClinVar aggregate classification (germline): Uncertain significance. Review status: criteria provided, multiple submitters, no conflicts (2 of 4 stars). 2 submissions from 2 submitters: Uncertain significance (2). Last evaluated 2023-09-21.

Conditions:
Neuroblastoma, susceptibility to, 3. Also called: ALK-Related Neuroblastic Tumor Susceptibility. Identifiers: Orphanet 635, MedGen C2751681, MONDO:0013083, OMIM 613014.
Hereditary cancer-predisposing syndrome. Also called: Neoplastic Syndromes, Hereditary; Tumor predisposition; Hereditary Cancer Syndrome; Hereditary neoplastic syndrome. Identifiers: Orphanet 140162, MedGen C0027672, MeSH D009386, MONDO:0015356.

Allele frequency attached by ClinVar (database versions not stated): TOPMed below 0.00001.

Submissions (2):

Labcorp Genetics (formerly Invitae), Labcorp
Classification: Uncertain significance for Neuroblastoma, susceptibility to, 3. Last evaluated: 2023-09-21. Review status: criteria provided, single submitter. Criteria: Invitae Variant Classification Sherloc (09022015). Collection method: clinical testing. Allele origin: germline.
Comment: This variant has not been reported in the literature in individuals affected with ALK-related conditions. In summary, the available evidence is currently insufficient to determine the role of this variant in disease. Therefore, it has been classified as a Variant of Uncertain Significance. An algorithm developed to predict the effect of missense changes on protein structure and function (PolyPhen-2) suggests that this variant is likely to be disruptive. ClinVar contains an entry for this variant (Variation ID: 1733834). This variant is not present in population databases (gnomAD no frequency). This sequence change replaces leucine, which is neutral and non-polar, with phenylalanine, which is neutral and non-polar, at codon 1226 of the ALK protein (p.Leu1226Phe).

Ambry Genetics
Classification: Uncertain significance for Hereditary cancer-predisposing syndrome. Last evaluated: 2020-12-17. Review status: criteria provided, single submitter. Criteria: Ambry Variant Classification Scheme 2023. Collection method: clinical testing. Allele origin: germline.
Comment: The p.L1226F variant (also known as c.3676C>T), located in coding exon 24 of the ALK gene, results from a C to T substitution at nucleotide position 3676. The leucine at codon 1226 is replaced by phenylalanine, an amino acid with highly similar properties. This amino acid position is highly conserved in available vertebrate species. In addition, this alteration is predicted to be deleterious by in silico analysis. Since supporting evidence is limited at this time, the clinical significance of this alteration remains unclear.

NM_004304.5(ALK):c.3676C>T (p.Leu1226Phe)

Gene: ALK (ALK receptor tyrosine kinase; minus strand). Cytogenetic location: 2p23.2.
Variant type: single nucleotide variant.
Coding change: c.3676C>T on transcript NM_004304.5 (MANE Select); coding-DNA position 3676, C replaced by T.
Protein change: p.Leu1226Phe; replaces leucine 1226 with phenylalanine.
Molecular consequence: missense variant.
Genome position (GRCh38, 1-based): chr2:29,214,051, G>A on the plus strand (C>T on the coding strand, the complement: ALK is on the minus strand). VCF-style: chr2-29214051-G-A. GRCh37 (hg19) VCF-style: chr2-29436917-G-A.
Other names: c.472C>T, p.Leu158Phe (NM_001353765.2); short protein forms L1226F, L158F.
Identifiers: ClinVar variation 1733834 (VCV001733834.5), dbSNP rs1669534858, ClinGen allele CA346471540.